The following is an entry in ClinVar:

NM_000235.4(LIPA):c.343G>A (p.Val115Met)

Gene: LIPA (lipase A, lysosomal acid type; minus strand). Cytogenetic location: 10q23.31.
Variant type: single nucleotide variant.
Coding change: c.343G>A on transcript NM_000235.4 (MANE Select); coding-DNA position 343, G replaced by A.
Protein change: p.Val115Met; replaces valine 115 with methionine.
Molecular consequence: missense variant. On other transcripts: 5 prime UTR variant (1).
Genome position (GRCh38, 1-based): chr10:89,228,285, C>T on the plus strand (G>A on the coding strand, the complement: LIPA is on the minus strand). VCF-style: chr10-89228285-C-T. GRCh37 (hg19) VCF-style: chr10-90988042-C-T.
Other names: c.343G>A, p.Val115Met (NM_001127605.3); c.-6G>A (NM_001288979.2); short protein forms V115M.
Identifiers: ClinVar variation 1731458 (VCV001731458.2), dbSNP rs1310595566, ClinGen allele CA377517916.
Genomic context (GRCh38, chr10:89,228,285, plus strand): 5'-AAACTGAGAGTGTCTTATGTTTCCGAGACCAGGTATTTCCTCTGCTGTTGCCCATCCACA[C>T]GTCAAAACCAGCATCAGCAAGAATGAAGCCCAGGCTGCTGTTGGCAAGGTTTGTGACCCA-3'
Protein context (NP_000226.2, residues 105-125): GFILADAGFD[Val115Met]WMGNSRGNTW

ClinVar aggregate classification (germline): Uncertain significance (1 of 4 stars; one submission).

Conditions:
Cardiovascular phenotype. Identifiers: MedGen CN230736.

Allele frequency attached by ClinVar (database versions not stated): gnomAD 0.00001.
gnomAD v4.1: 20 of 1,614,048 alleles (0.0012%); highest among the groups gnomAD compares: African/African-American, 0.0053%; no homozygotes.

Submission:

Ambry Genetics
Classification: Uncertain significance for Cardiovascular phenotype. Last evaluated: 2022-10-02. Review status: criteria provided, single submitter. Criteria: Ambry Variant Classification Scheme 2023. Collection method: clinical testing. Allele origin: germline.
Comment: The p.V115M variant (also known as c.343G>A), located in coding exon 3 of the LIPA gene, results from a G to A substitution at nucleotide position 343. The valine at codon 115 is replaced by methionine, an amino acid with highly similar properties. This amino acid position is conserved. In addition, this alteration is predicted to be deleterious by in silico analysis. Since supporting evidence is limited at this time, the clinical significance of this alteration remains unclear.